The following is an entry in ClinVar:

ClinVar aggregate classification (germline): Pathogenic (1 of 4 stars; one submission).

Submission:

Labcorp Genetics (formerly Invitae), Labcorp
Classification: Pathogenic. Last evaluated: 2023-02-09. Review status: criteria provided, single submitter. Criteria: Invitae Variant Classification Sherloc (09022015). Collection method: clinical testing. Allele origin: germline.
Comment: This variant is not present in population databases (gnomAD no frequency). This sequence change creates a premature translational stop signal (p.Ile286Asnfs*5) in the PHEX gene. It is expected to result in an absent or disrupted protein product. Loss-of-function variants in PHEX are known to be pathogenic (PMID: 9097956, 9106524, 19219621). This variant has not been reported in the literature in individuals affected with PHEX-related conditions. For these reasons, this variant has been classified as Pathogenic.

Literature cited by the submitters: PubMed 9097956; PubMed 9106524; PubMed 19219621.

NM_000444.6(PHEX):c.853_856dup (p.Ile286fs)

Gene: PHEX (phosphate regulating endopeptidase X-linked; plus strand). Cytogenetic location: Xp22.11.
Variant type: Duplication.
Coding change: c.853_856dup on transcript NM_000444.6 (MANE Select); coding-DNA positions 853 to 856, 4 bases duplicated (ATGA; older notation c.853_856dupATGA).
Protein change: p.Ile286fs; shifts the reading frame from isoleucine 286.
Molecular consequence: frameshift variant.
Genome position (GRCh38, 1-based): chrX:22,096,958-22,096,961, ATGA duplicated; duplicating any 4 consecutive bases within chrX:22,096,957-22,096,961 gives the same sequence; the c. name uses the placement nearest the transcript's 3' end. VCF-style (leftmost placement, unchanged base first): chrX-22096956-T-TAATG. GRCh37 (hg19) VCF-style: chrX-22115074-T-TAATG.
Other names: c.853_856dup, p.Ile286fs (NM_001282754.2); short protein forms I286fs.
Identifiers: ClinVar variation 2835741 (VCV002835741.3), dbSNP rs2519775633, ClinGen allele CA2739268135.
Genomic context (GRCh38, chrX:22,096,956, plus strand): 5'-AATCATACAGTAAGAAATGGTTCACTTGAAAAAAAATAACAAAAATCTCTTTTCAACAGA[T>TAATG]AATGATTCCACATGAAAACCGAACCAGCGAGGCCATGTACAACAAAATGAACATTTCTGA-3'